The following is an entry in ClinVar:

ClinVar aggregate classification (germline): Conflicting classifications of pathogenicity. Review status: criteria provided, conflicting classifications (1 of 4 stars). 2 submissions from 2 submitters: Uncertain significance (1); Likely benign (1). Last evaluated 2026-02-06.

Allele frequency attached by ClinVar (database versions not stated): gnomAD 0.00006 and 0.00008; TOPMed 0.00006; ExAC 0.00007; gnomAD exomes 0.00008; 1000 Genomes Project 0.00020; 1000 Genomes Project 30x 0.00031.
gnomAD v4.1: 105 of 1,614,052 alleles (0.0065%); highest among the groups gnomAD compares: East Asian, 0.062%; no homozygotes.

Submissions (2):

Women's Health and Genetics/Laboratory Corporation of America, LabCorp
Classification: Uncertain significance. Last evaluated: 2026-02-06. Review status: criteria provided, single submitter. Criteria: LabCorp Variant Classification Summary - May 2015. Collection method: clinical testing. Allele origin: germline.
Comment: Variant summary: SETBP1 c.1387C>T (p.Arg463Cys) results in a non-conservative amino acid change in the encoded protein sequence. Algorithms developed to predict the effect of missense changes on protein structure and function are either unavailable or do not agree on the potential impact of this missense change. The variant allele was found at a frequency of 7.6e-05 in 251132 control chromosomes. This frequency is not significantly higher than estimated for disease-causing variants in SETBP1, allowing no conclusion about variant significance. c.1387C>T has been observed in at least one individual affected with neurodevelopmental disorder (Stessman_2017). The report does not provide unequivocal conclusions about association of the variant with SETBP1-Related Disorders. To our knowledge, no experimental evidence demonstrating an impact on protein function has been reported. The following publications have been ascertained in the context of this evaluation (PMID: 31475041, 28191889). ClinVar contains an entry for this variant (Variation ID: 1367954). Based on the evidence outlined above, the variant was classified as uncertain significance.

Labcorp Genetics (formerly Invitae), Labcorp
Classification: Likely benign. Last evaluated: 2026-01-09. Review status: criteria provided, single submitter. Criteria: Invitae Variant Classification Sherloc (09022015). Collection method: clinical testing. Allele origin: germline.

Literature cited by the submitters: PubMed 28191889 (cited by Women's Health and Genetics/Laboratory Corporation of America, LabCorp); PubMed 31475041 (cited by Women's Health and Genetics/Laboratory Corporation of America, LabCorp).

NM_015559.3(SETBP1):c.1387C>T (p.Arg463Cys)

Gene: SETBP1 (SET binding protein 1; plus strand). Cytogenetic location: 18q12.3.
Variant type: single nucleotide variant.
Coding change: c.1387C>T on transcript NM_015559.3 (MANE Select); coding-DNA position 1387, C replaced by T.
Protein change: p.Arg463Cys; replaces arginine 463 with cysteine.
Molecular consequence: missense variant.
Genome position (GRCh38, 1-based): chr18:44,950,727, C>T. VCF-style: chr18-44950727-C-T. GRCh37 (hg19) VCF-style: chr18-42530692-C-T.
Other names: c.1387C>T, p.Arg463Cys (NM_001379141.1, NM_001379142.1); short protein forms R463C.
Identifiers: ClinVar variation 1367954 (VCV001367954.9), dbSNP rs201930325, ClinGen allele CA8945609.
Genomic context (GRCh38, chr18:44,950,727, plus strand): 5'-ATGAGCAGTGAAGTAGTTAACAGGATACTTTCCAACTCTGAGGGGAATAAGAAGGATCCC[C>T]GTGTCCCTAAGTTGAGTAAAATGATAGAGAATGAGTCCCCCTCAGTTGGCCTTGAAACTG-3'
Protein context (NP_056374.2, residues 453-473): SNSEGNKKDP[Arg463Cys]VPKLSKMIEN